The following is an entry in ClinVar:

NC_000001.10:g.(?_26128487)_(26128628_?)dup

Gene: SELENON (selenoprotein N; plus strand). Cytogenetic location: 1p36.11.
Variant type: Duplication.
Identifiers: ClinVar variation 2426553 (VCV002426553.8).

ClinVar aggregate classification (germline): Uncertain significance (1 of 4 stars; one submission).

Conditions:
Eichsfeld type congenital muscular dystrophy (CMYO3). Also called: MYOPATHY, SEPN1-RELATED; SELENON-related myopathy; Congenital myopathy 3 with rigid spine; Rigid spine muscular dystrophy 1. Identifiers: MedGen C0410180, MONDO:0100100, OMIM 602771.

Submission:

Labcorp Genetics (formerly Invitae), Labcorp
Classification: Uncertain significance for Eichsfeld type congenital muscular dystrophy. Last evaluated: 2022-07-06. Review status: criteria provided, single submitter. Criteria: Invitae Variant Classification Sherloc (09022015). Collection method: clinical testing. Allele origin: germline.
Comment: This variant results in a copy number gain of the genomic region encompassing exon(s) 3 of the SELENON gene. While the exact position of this variant cannot be determined from the data, sub-genic copy number gains are generally in tandem (PMID: 25640679). This variant is predicted to be in-frame, and likely preserves the integrity of the reading frame. This variant has not been reported in the literature in individuals affected with SELENON-related conditions. In summary, the available evidence is currently insufficient to determine the role of this variant in disease. Therefore, it has been classified as a Variant of Uncertain Significance.

Literature cited by the submitters: PubMed 25640679.